The following is an entry in ClinVar:

NM_017617.5(NOTCH1):c.4335C>G (p.Ile1445Met)

Gene: NOTCH1 (notch receptor 1; minus strand). Cytogenetic location: 9q34.3.
Variant type: single nucleotide variant.
Coding change: c.4335C>G on transcript NM_017617.5 (MANE Select); coding-DNA position 4335, C replaced by G.
Protein change: p.Ile1445Met; replaces isoleucine 1445 with methionine.
Molecular consequence: missense variant.
Genome position (GRCh38, 1-based): chr9:136,505,561, G>C on the plus strand (C>G on the coding strand, the complement: NOTCH1 is on the minus strand). VCF-style: chr9-136505561-G-C. GRCh37 (hg19) VCF-style: chr9-139400013-G-C.
Other names: c.4335C>G, p.Ile1445Met (LRG_1122t1); short protein forms I1445M.
Identifiers: ClinVar variation 373596 (VCV000373596.14), dbSNP rs373960609, ClinGen allele CA5340637.

ClinVar aggregate classification (germline): Conflicting classifications of pathogenicity. Review status: criteria provided, conflicting classifications (1 of 4 stars). 6 submissions from 5 submitters: Uncertain significance (5); Benign (1). Last evaluated 2025-10-25.

Conditions:
Familial thoracic aortic aneurysm and aortic dissection (TAAD). Also called: Thoracic aortic aneurysms and dissections. Identifiers: Orphanet 91387, MedGen C4707243, MONDO:0019625.
Adams-Oliver syndrome 5 (AOS5). Identifiers: Orphanet 974, MedGen C4014970, MONDO:0014459, OMIM 616028.
Aortic valve disease 1 (AOVD1). Identifiers: MedGen C3887892, MONDO:0024523, OMIM 109730.

gnomAD v4.1: 16 of 1,610,900 alleles (0.00099%); highest among the groups gnomAD compares: East Asian, 0.0089%; no homozygotes.

Submissions (6):

Ambry Genetics
Classification: Uncertain significance for Familial thoracic aortic aneurysm and aortic dissection. Last evaluated: 2025-10-25. Review status: criteria provided, single submitter. Criteria: Ambry Variant Classification Scheme 2023. Collection method: clinical testing. Allele origin: germline.
Comment: The p.I1445M variant (also known as c.4335C>G), located in coding exon 25 of the NOTCH1 gene, results from a C to G substitution at nucleotide position 4335. The isoleucine at codon 1445 is replaced by methionine, an amino acid with highly similar properties. This amino acid position is not well conserved in available vertebrate species. In addition, this alteration is predicted to be tolerated by in silico analysis. Since supporting evidence is limited at this time, the clinical significance of this alteration remains unclear.

Centre of Medical Genetics, University of Antwerp
Classification: Uncertain significance for Familial thoracic aortic aneurysm and aortic dissection. Last evaluated: 2024-09-06. Review status: criteria provided, single submitter. Criteria: ACMG Guidelines, 2015. Collection method: clinical testing. Allele origin: germline. Affected: yes.

Labcorp Genetics (formerly Invitae), Labcorp
Classification: Benign for Adams-Oliver syndrome 5. Last evaluated: 2024-02-17. Review status: criteria provided, single submitter. Criteria: Invitae Variant Classification Sherloc (09022015). Collection method: clinical testing. Allele origin: germline.

Genome-Nilou Lab
Classification: Uncertain significance for Adams-Oliver syndrome 5. Last evaluated: 2022-03-15. Review status: criteria provided, single submitter. Criteria: ACMG Guidelines, 2015. Collection method: clinical testing. Allele origin: germline. Affected: no.

Genome-Nilou Lab
Classification: Uncertain significance for Aortic valve disease 1. Last evaluated: 2022-03-15. Review status: criteria provided, single submitter. Criteria: ACMG Guidelines, 2015. Collection method: clinical testing. Allele origin: germline. Affected: no.

GeneDx
Classification: Uncertain significance. Last evaluated: 2016-11-29. Review status: criteria provided, single submitter. Criteria: GeneDx Variant Classification (06012015). Collection method: clinical testing. Allele origin: germline. Affected: yes.
Comment: A variant of uncertain significance has been identified in the NOTCH1 gene. The I1445M variant has not beenpublished as a pathogenic variant, nor has it been reported as a benign variant to our knowledge. It was not observedin approximately 6,200 individuals of European and African American ancestry in the NHLBI Exome SequencingProject, indicating it is not a common benign variant in these populations. The I1445M variant is a conservativeamino acid substitution, which is not likely to impact secondary protein structure as these residues share similarproperties. In addition, this substitution occurs at a position where amino acids with similar properties to isoleucine(I) are tolerated across species. Nonetheless, methionine (M) is not wild type in any species, and in silico analysis isinconsistent in its predictions as to whether or not this variant is damaging to the protein structure/function.Therefore, based on the currently available information, it is unclear whether this variant is pathogenic or rare benign.This result cannot be interpreted for diagnosis or used for family member screening at this time.